The following is an entry in ClinVar:

NM_017617.5(NOTCH1):c.4118T>C (p.Leu1373Pro)

Gene: NOTCH1 (notch receptor 1; minus strand). Cytogenetic location: 9q34.3.
Variant type: single nucleotide variant.
Coding change: c.4118T>C on transcript NM_017617.5 (MANE Select); coding-DNA position 4118, T replaced by C.
Protein change: p.Leu1373Pro; replaces leucine 1373 with proline.
Molecular consequence: missense variant.
Genome position (GRCh38, 1-based): chr9:136,505,778, A>G on the plus strand (T>C on the coding strand, the complement: NOTCH1 is on the minus strand). VCF-style: chr9-136505778-A-G. GRCh37 (hg19) VCF-style: chr9-139400230-A-G.
Other names: short protein forms L1373P.
Identifiers: ClinVar variation 3694115 (VCV003694115.2).

ClinVar aggregate classification (germline): Uncertain significance (1 of 4 stars; one submission).

Conditions:
Adams-Oliver syndrome 5 (AOS5). Identifiers: Orphanet 974, MedGen C4014970, MONDO:0014459, OMIM 616028.

Submission:

Labcorp Genetics (formerly Invitae), Labcorp
Classification: Uncertain significance for Adams-Oliver syndrome 5. Last evaluated: 2024-09-14. Review status: criteria provided, single submitter. Criteria: Invitae Variant Classification Sherloc (09022015). Collection method: clinical testing. Allele origin: germline.
Comment: This sequence change replaces leucine, which is neutral and non-polar, with proline, which is neutral and non-polar, at codon 1373 of the NOTCH1 protein (p.Leu1373Pro). This variant is not present in population databases (gnomAD no frequency). This variant has not been reported in the literature in individuals affected with NOTCH1-related conditions. Invitae Evidence Modeling of protein sequence and biophysical properties (such as structural, functional, and spatial information, amino acid conservation, physicochemical variation, residue mobility, and thermodynamic stability) indicates that this missense variant is not expected to disrupt NOTCH1 protein function with a negative predictive value of 80%. In summary, the available evidence is currently insufficient to determine the role of this variant in disease. Therefore, it has been classified as a Variant of Uncertain Significance.